The following is an entry in ClinVar:

NM_005097.4(LGI1):c.682_683del (p.Lys228fs)

Gene: LGI1 (leucine rich glioma inactivated 1; plus strand). Cytogenetic location: 10q23.33.
Variant type: Deletion.
Coding change: c.682_683del on transcript NM_005097.4 (MANE Select); coding-DNA positions 682 to 683, 2 bases deleted (AA; older notation c.682_683delAA).
Protein change: p.Lys228fs; shifts the reading frame from lysine 228.
Molecular consequence: frameshift variant. On other transcripts: non-coding transcript variant (1).
Genome position (GRCh38, 1-based): chr10:93,793,194-93,793,195, AA deleted; deleting any 2 consecutive bases within chr10:93,793,193-93,793,195 gives the same sequence; the c. name uses the placement nearest the transcript's 3' end. VCF-style (leftmost placement, unchanged base first): chr10-93793192-CAA-C. GRCh37 (hg19) VCF-style: chr10-95552949-CAA-C.
Other names: c.682_683del, p.Lys228fs (NM_001308275.2); c.538_539del, p.Lys180fs (NM_001308276.2); short protein forms K180fs, K228fs.
Identifiers: ClinVar variation 2691875 (VCV002691875.2), dbSNP rs2492905676, ClinGen allele CA2697558659.

ClinVar aggregate classification (germline): Likely pathogenic (1 of 4 stars; one submission).

Conditions:
Epilepsy, familial temporal lobe, 1. Identifiers: Orphanet 101046, MedGen CN030884, MONDO:0700090, OMIM 600512.

Submission:

Institute of Human Genetics, University of Leipzig Medical Center
Classification: Likely pathogenic for Epilepsy, familial temporal lobe, 1. Last evaluated: 2023-12-07. Review status: criteria provided, single submitter. Criteria: ACMG Guidelines, 2015. Collection method: clinical testing. Allele origin: unknown. Inheritance: Autosomal dominant inheritance. Affected: yes.
Comment: Criteria applied: PVS1,PM2_SUP